The following is an entry in ClinVar:

NM_002834.5(PTPN11):c.348T>A (p.His116Gln)

Gene: PTPN11 (protein tyrosine phosphatase non-receptor type 11; plus strand). Cytogenetic location: 12q24.13.
Variant type: single nucleotide variant.
Coding change: c.348T>A on transcript NM_002834.5 (MANE Select); coding-DNA position 348, T replaced by A.
Protein change: p.His116Gln; replaces histidine 116 with glutamine.
Molecular consequence: missense variant.
Genome position (GRCh38, 1-based): chr12:112,453,210, T>A. VCF-style: chr12-112453210-T-A. GRCh37 (hg19) VCF-style: chr12-112891014-T-A.
Other names: c.348T>A, p.His116Gln (NM_001330437.2, NM_080601.3); c.345T>A, p.His115Gln (NM_001374625.1); short protein forms H116Q, H115Q.
Identifiers: ClinVar variation 503544 (VCV000503544.8), dbSNP rs1482410266, ClinGen allele CA386780510.
Genomic context (GRCh38, chr12:112,453,210, plus strand): 5'-ACCCATAGTAGAGCTAAATTCTTTTTTATTTTTTAAAAACTTTAGGTGGTTTCATGGACA[T>A]CTCTCTGGGAAAGAAGCAGAGAAATTATTAACTGAAAAAGGAAAACATGGTAGTTTTCTT-3'
Protein context (NP_002825.3, residues 106-126): DPTSERWFHG[His116Gln]LSGKEAEKLL

ClinVar aggregate classification (germline): Conflicting classifications of pathogenicity. Review status: criteria provided, conflicting classifications (1 of 4 stars). 4 submissions from 4 submitters: Likely pathogenic (1); Uncertain significance (3). Last evaluated 2025-09-20.

Conditions:
Cardiovascular phenotype. Identifiers: MedGen CN230736.

gnomAD v4.1: 3 of 1,612,274 alleles (0.00019%); highest among the groups gnomAD compares: East Asian, 0.0022%; no homozygotes.

Submissions (4):

GeneDx
Classification: Likely pathogenic. Last evaluated: 2025-09-20. Review status: criteria provided, single submitter. Criteria: GeneDx Variant Classification Process June 2021. Collection method: clinical testing. Allele origin: germline. Affected: yes.
Comment: Not observed at significant frequency in large population cohorts (gnomAD); Missense variants in this gene are a common cause of disease and they are underrepresented in the general population; In silico analysis supports that this missense variant has a deleterious effect on protein structure/function; Has not been previously published as pathogenic or benign to our knowledge; This variant is associated with the following publications: (PMID: 29493581)

Ambry Genetics
Classification: Uncertain significance for Cardiovascular phenotype. Last evaluated: 2025-01-08. Review status: criteria provided, single submitter. Criteria: Ambry Variant Classification Scheme 2023. Collection method: clinical testing. Allele origin: germline.
Comment: The p.H116Q variant (also known as c.348T>A), located in coding exon 4 of the PTPN11 gene, results from a T to A substitution at nucleotide position 348. The histidine at codon 116 is replaced by glutamine, an amino acid with highly similar properties. This amino acid position is conserved. In addition, the in silico prediction for this alteration is inconclusive. Based on the available evidence, the clinical significance of this variant remains unclear.

Blueprint Genetics
Classification: Uncertain significance. Last evaluated: 2022-05-06. Review status: criteria provided, single submitter. Criteria: ACMG Guidelines, 2015. Collection method: clinical testing. Allele origin: germline.

Laboratory for Molecular Medicine, Mass General Brigham Personalized Medicine
Classification: Uncertain significance. Last evaluated: 2018-03-01. Review status: criteria provided, single submitter. Criteria: LMM Criteria. Collection method: clinical testing. Allele origin: germline.
Comment: Disclaimer: This variant has not undergone full assessment. The following are preliminary notes: not in Gnomad with good coverage, not in ClinVar, HGMD, or Google search; well- conserved, predicted possibly damaging